The following is an entry in ClinVar:

NM_001563.4(IMPG1):c.1764C>T (p.Asn588=)

Gene: IMPG1 (interphotoreceptor matrix proteoglycan 1; minus strand). Cytogenetic location: 6q14.1.
Variant type: single nucleotide variant.
Coding change: c.1764C>T on transcript NM_001563.4 (MANE Select); coding-DNA position 1764, C replaced by T.
Protein change: p.Asn588=; no amino-acid change (asparagine 588 retained).
Molecular consequence: synonymous variant.
Genome position (GRCh38, 1-based): chr6:75,950,622, G>A on the plus strand (C>T on the coding strand, the complement: IMPG1 is on the minus strand). VCF-style: chr6-75950622-G-A. GRCh37 (hg19) VCF-style: chr6-76660339-G-A.
Other names: c.1764C>T (NM_001563.3); c.1530C>T, p.Asn510= (NM_001282368.2).
Identifiers: ClinVar variation 1578275 (VCV001578275.10), dbSNP rs569094877, ClinGen allele CA3898059.

ClinVar aggregate classification (germline): Likely benign. Review status: criteria provided, multiple submitters, no conflicts (2 of 4 stars). 3 submissions from 3 submitters: Likely benign (3). Last evaluated 2025-09-24.

Conditions:
IMPG1-related disorder. Also called: IMPG1-related condition.

Allele frequency attached by ClinVar (database versions not stated): gnomAD exomes 0.00001 and 0.00002; ExAC 0.00003; gnomAD 0.00006; TOPMed 0.00006; 1000 Genomes Project 30x 0.00016; 1000 Genomes Project 0.00020.
gnomAD v4.1: 30 of 1,613,824 alleles (0.0019%); highest among the groups gnomAD compares: African/African-American, 0.012%; 1 homozygote.

Submissions (3):

Labcorp Genetics (formerly Invitae), Labcorp
Classification: Likely benign. Last evaluated: 2025-09-24. Review status: criteria provided, single submitter. Criteria: Invitae Variant Classification Sherloc (09022015). Collection method: clinical testing. Allele origin: germline.

PreventionGenetics, part of Exact Sciences
Classification: Likely benign for IMPG1-related condition. Last evaluated: 2025-02-26. Review status: criteria provided, single submitter. Criteria: ACMG Guidelines, 2015. Collection method: clinical testing. Allele origin: germline.
Comment: This variant is classified as likely benign based on ACMG/AMP sequence variant interpretation guidelines (Richards et al. 2015 PMID: 25741868, with internal and published modifications).

Blueprint Genetics
Classification: Likely benign. Last evaluated: 2023-09-14. Review status: criteria provided, single submitter. Criteria: ACMG Guidelines, 2015. Collection method: clinical testing. Allele origin: germline.